The following is an entry in ClinVar:

NM_003924.4(PHOX2B):c.301A>G (p.Ile101Val)

Gene: PHOX2B (paired like homeobox 2B; minus strand). Cytogenetic location: 4p13.
Variant type: single nucleotide variant.
Coding change: c.301A>G on transcript NM_003924.4 (MANE Select); coding-DNA position 301, A replaced by G.
Protein change: p.Ile101Val; replaces isoleucine 101 with valine.
Molecular consequence: missense variant.
Genome position (GRCh38, 1-based): chr4:41,747,477, T>C on the plus strand (A>G on the coding strand, the complement: PHOX2B is on the minus strand). VCF-style: chr4-41747477-T-C. GRCh37 (hg19) VCF-style: chr4-41749494-T-C.
Other names: short protein forms I101V.
Identifiers: ClinVar variation 2496876 (VCV002496876.2), dbSNP rs2552097035, ClinGen allele CA356740391.
Genomic context (GRCh38, chr4:41,747,477, plus strand): 5'-GAGTCTCCGCGAAGACCCTTTCCAGCTCTTTGAGCTGGGCACTGGTGAAAGTGGTGCGGA[T>C]GCGCCGCTGCTTGCGCTTCTCGTTGAGGCCGCCGTGGTCCGTGAAGAGTTTGTAAGGAAC-3'
Protein context (NP_003915.2, residues 91-111): GLNEKRKQRR[Ile101Val]RTTFTSAQLK

ClinVar aggregate classification (germline): Uncertain significance (1 of 4 stars; one submission).

Conditions:
Hereditary cancer-predisposing syndrome. Also called: Neoplastic Syndromes, Hereditary; Hereditary neoplastic syndrome; Tumor predisposition; Hereditary Cancer Syndrome. Identifiers: Orphanet 140162, MedGen C0027672, MeSH D009386, MONDO:0015356.

Submission:

Ambry Genetics
Classification: Uncertain significance for Hereditary cancer-predisposing syndrome. Last evaluated: 2023-02-10. Review status: criteria provided, single submitter. Criteria: Ambry Variant Classification Scheme 2023. Collection method: clinical testing. Allele origin: germline.
Comment: The p.I101V variant (also known as c.301A>G), located in coding exon 2 of the PHOX2B gene, results from an A to G substitution at nucleotide position 301. The isoleucine at codon 101 is replaced by valine, an amino acid with highly similar properties. This amino acid position is conserved. In addition, the in silico prediction for this alteration is inconclusive. Since supporting evidence is limited at this time, the clinical significance of this alteration remains unclear.